The following is an entry in ClinVar:

NM_001384140.1(PCDH15):c.725A>C (p.Asn242Thr)

Gene: PCDH15 (protocadherin related 15; minus strand). Cytogenetic location: 10q21.1.
Variant type: single nucleotide variant.
Coding change: c.725A>C on transcript NM_001384140.1 (MANE Select); coding-DNA position 725, A replaced by C.
Protein change: p.Asn242Thr; replaces asparagine 242 with threonine.
Molecular consequence: missense variant.
Genome position (GRCh38, 1-based): chr10:54,317,422, T>G on the plus strand (A>C on the coding strand, the complement: PCDH15 is on the minus strand). VCF-style: chr10-54317422-T-G. GRCh37 (hg19) VCF-style: chr10-56077182-T-G.
Other names: c.740A>C, p.Asn247Thr (NM_001142763.2, NM_001142769.4, NM_001142771.2); c.725A>C, p.Asn242Thr (NM_001142764.2, NM_001142765.2, NM_001142766.2 and 7 more transcripts); c.614A>C, p.Asn205Thr (NM_001142767.2); c.659A>C, p.Asn220Thr (NM_001142768.2, NM_001142773.2, NM_001354404.2); short protein forms N205T, N220T, N242T, N247T.
Identifiers: ClinVar variation 850281 (VCV000850281.8), dbSNP rs775673790, ClinGen allele CA5506602.

ClinVar aggregate classification (germline): Uncertain significance. Review status: criteria provided, single submitter (1 of 4 stars). 2 submissions from 2 submitters: Uncertain significance (1). 1 of the submissions does not count toward it. Last evaluated 2022-07-06.

Conditions:
Usher syndrome type 1F (USH1F). Also called: USHER SYNDROME, TYPE IF. Identifiers: Orphanet 231169, Orphanet 886, MedGen C1865885, MONDO:0011186, OMIM 602083.

Allele frequency attached by ClinVar (database versions not stated): gnomAD exomes below 0.00001; ExAC 0.00001; TOPMed 0.00001; gnomAD 0.00002.
gnomAD v4.1: 8 of 1,613,786 alleles (0.0005%); highest among the groups gnomAD compares: South Asian, 0.0055%; no homozygotes.

Submissions (2):

Labcorp Genetics (formerly Invitae), Labcorp
Classification: Uncertain significance. Last evaluated: 2022-07-06. Review status: criteria provided, single submitter. Criteria: Invitae Variant Classification Sherloc (09022015). Collection method: clinical testing. Allele origin: germline.
Comment: This sequence change replaces asparagine, which is neutral and polar, with threonine, which is neutral and polar, at codon 242 of the PCDH15 protein (p.Asn242Thr). This variant is present in population databases (rs775673790, gnomAD 0.003%). This variant has not been reported in the literature in individuals affected with PCDH15-related conditions. ClinVar contains an entry for this variant (Variation ID: 850281). Algorithms developed to predict the effect of missense changes on protein structure and function are either unavailable or do not agree on the potential impact of this missense change (SIFT: "Deleterious"; PolyPhen-2: "Benign"; Align-GVGD: "Class C0"). In summary, the available evidence is currently insufficient to determine the role of this variant in disease. Therefore, it has been classified as a Variant of Uncertain Significance.

Natera, Inc.
Classification: Uncertain significance for Usher syndrome type 1F. Last evaluated: 2020-12-09. Review status: no assertion criteria provided. Collection method: clinical testing. Allele origin: germline. Not counted in ClinVar's aggregate classification.